The following is an entry in ClinVar:

ClinVar aggregate classification (germline): Pathogenic (1 of 4 stars; one submission).

Conditions:
Duchenne muscular dystrophy (DMD). Also called: MUSCULAR DYSTROPHY, PSEUDOHYPERTROPHIC PROGRESSIVE, DUCHENNE TYPE; Duchenne Muscular Dystrophy (DMD). Identifiers: Orphanet 98896, MedGen C0013264, MONDO:0010679, OMIM 310200.

Submission:

Labcorp Genetics (formerly Invitae), Labcorp
Classification: Pathogenic for Duchenne muscular dystrophy. Last evaluated: 2020-05-05. Review status: criteria provided, single submitter. Criteria: Invitae Variant Classification Sherloc (09022015). Collection method: clinical testing. Allele origin: germline.
Comment: For these reasons, this variant has been classified as Pathogenic. Loss-of-function variants in DMD are known to be pathogenic (PMID: 16770791, 25007885). This variant has not been reported in the literature in individuals with DMD-related conditions. This variant is not present in population databases (ExAC no frequency). This sequence change creates a premature translational stop signal (p.Glu468Lysfs*13) in the DMD gene. It is expected to result in an absent or disrupted protein product.

Literature cited by the submitters: PubMed 16770791; PubMed 25007885.

NM_004006.3(DMD):c.1402_1406del (p.Glu468fs)

Gene: DMD (dystrophin; minus strand). Cytogenetic location: Xp21.1.
Variant type: Deletion.
Coding change: c.1402_1406del on transcript NM_004006.3 (MANE Select); coding-DNA positions 1402 to 1406, 5 bases deleted (GAAGA; older notation c.1402_1406delGAAGA).
Protein change: p.Glu468fs; shifts the reading frame from glutamic acid 468.
Molecular consequence: frameshift variant.
Genome position (GRCh38, 1-based): chrX:32,614,379-32,614,383, TCTTC deleted on the plus strand (GAAGA on the coding strand, the reverse complement: DMD is on the minus strand); deleting any 5 consecutive bases within chrX:32,614,379-32,614,384 gives the same sequence; the c. name uses the placement nearest the transcript's 3' end. VCF-style (leftmost placement, unchanged base first): chrX-32614378-TTCTTC-T. GRCh37 (hg19) VCF-style: chrX-32632495-TTCTTC-T.
Other names: c.1378_1382del, p.Glu460fs (NM_000109.4); c.1390_1394del, p.Glu464fs (NM_004009.3); c.1033_1037del, p.Glu345fs (NM_004010.3); short protein forms E345fs, E460fs, E464fs, E468fs.
Identifiers: ClinVar variation 1068684 (VCV001068684.7), dbSNP rs2149350038, ClinGen allele CA2499226656.
Genomic context (GRCh38, chrX:32,614,378, plus strand): 5'-TTGGCGTTTTAGGTCTTCAAGATCAGGTCCAAGAGGCTCTTCCTCCATTTTCCTTGTTCT[TTCTTC>T]TGTTTTTGTTAGCCAGTCATTCAACTCTTTCAGTTTCTGATTCTGGAGATCCATTAAAAC-3'